The following is an entry in ClinVar:

ClinVar aggregate classification (germline): Likely benign. Review status: criteria provided, single submitter (1 of 4 stars). 2 submissions from 2 submitters: Likely benign (1). 1 of the submissions does not count toward it. Last evaluated 2025-04-17.

Conditions:
KIF1C-related disorder. Also called: KIF1C-related condition.
Spastic ataxia 2. Also called: Ataxia, spastic, 2, autosomal recessive. Identifiers: Orphanet 397946, MedGen C1969796, MONDO:0012651, OMIM 611302.

Allele frequency attached by ClinVar (database versions not stated): TOPMed 0.00003; ExAC 0.00007; gnomAD exomes 0.00008.
gnomAD v4.1: 69 of 1,613,634 alleles (0.0043%); highest among the groups gnomAD compares: Admixed American, 0.023%; no homozygotes.

Submissions (2):

Labcorp Genetics (formerly Invitae), Labcorp
Classification: Likely benign for Spastic ataxia 2. Last evaluated: 2025-04-17. Review status: criteria provided, single submitter. Criteria: Invitae Variant Classification Sherloc (09022015). Collection method: clinical testing. Allele origin: germline.

PreventionGenetics, part of Exact Sciences
Classification: Likely benign for KIF1C-related condition. Last evaluated: 2019-11-16. Review status: no assertion criteria provided. Collection method: clinical testing. Allele origin: germline. Not counted in ClinVar's aggregate classification.
Comment: This variant is classified as likely benign based on ACMG/AMP sequence variant interpretation guidelines (Richards et al. 2015 PMID: 25741868, with internal and published modifications).

NM_006612.6(KIF1C):c.765C>T (p.Ala255=)

Genes: KIF1C (kinesin family member 1C; plus strand), LOC126862472 (CDK7 strongly-dependent group 2 enhancer GRCh37_chr17:4906716-4907915; plus strand). Cytogenetic location: 17p13.2.
Variant type: single nucleotide variant.
Coding change: c.765C>T on transcript NM_006612.6 (MANE Select); coding-DNA position 765, C replaced by T.
Protein change: p.Ala255=; no amino-acid change (alanine 255 retained).
Molecular consequence: synonymous variant.
Genome position (GRCh38, 1-based): chr17:5,003,656, C>T. VCF-style: chr17-5003656-C-T. GRCh37 (hg19) VCF-style: chr17-4906951-C-T.
Identifiers: ClinVar variation 708248 (VCV000708248.11), dbSNP rs755969023, ClinGen allele CA8318721.